The following is an entry in ClinVar:

NM_001379200.1(TBX1):c.1183C>T (p.Pro395Ser)

Gene: TBX1 (T-box transcription factor 1; plus strand). Cytogenetic location: 22q11.21.
Variant type: single nucleotide variant.
Coding change: c.1183C>T on transcript NM_001379200.1 (MANE Select); coding-DNA position 1183, C replaced by T.
Protein change: p.Pro395Ser; replaces proline 395 with serine.
Molecular consequence: missense variant. On other transcripts: intron variant (2).
Genome position (GRCh38, 1-based): chr22:19,766,535, C>T. VCF-style: chr22-19766535-C-T. GRCh37 (hg19) VCF-style: chr22-19754058-C-T.
Other names: c.1156C>T, p.Pro386Ser (NM_080647.1); c.1009+533C>T (NM_005992.1, NM_080646.2); short protein forms P386S, P395S.
Identifiers: ClinVar variation 451561 (VCV000451561.3), dbSNP rs1555896727, ClinGen allele CA410684427.
Genomic context (GRCh38, chr22:19,766,535, plus strand): 5'-GCCCGGGTGCTAAGCCCCTCGCTGCCCGGGGCCGGCGGCGCCGGCGGCTTAGTCCCGCTG[C>T]CCGGCGCGCCCGGAGGCCGGCCCAGTCCCCCGAACCCCGAGCTGCGCCTGGAGGCGCCCG-3'
Protein context (NP_001366129.1, residues 385-405): AGGAGGLVPL[Pro395Ser]GAPGGRPSPP

ClinVar aggregate classification (germline): Uncertain significance. Review status: criteria provided, multiple submitters, no conflicts (2 of 4 stars). 2 submissions from 2 submitters: Uncertain significance (2). Last evaluated 2025-10-27.

Conditions:
DiGeorge syndrome. Also called: THIRD AND FOURTH PHARYNGEAL POUCH SYNDROME; Catch22. Identifiers: Orphanet 567, MedGen C0012236, MONDO:0008564, OMIM 188400.

Allele frequency attached by ClinVar (database versions not stated): gnomAD exomes below 0.00001.
gnomAD v4.1: 4 of 1,345,108 alleles (0.0003%); highest among the groups gnomAD compares: South Asian, 0.0019%; no homozygotes.

Submissions (2):

Labcorp Genetics (formerly Invitae), Labcorp
Classification: Uncertain significance for DiGeorge syndrome. Last evaluated: 2025-10-27. Review status: criteria provided, single submitter. Criteria: Invitae Variant Classification Sherloc (09022015). Collection method: clinical testing. Allele origin: germline.
Comment: This sequence change replaces proline, which is neutral and non-polar, with serine, which is neutral and polar, at codon 386 of the TBX1 protein (p.Pro386Ser). This variant is not present in population databases (gnomAD no frequency). This missense change has been observed in individual(s) with autism and/or developmental delay (PMID: 33057194, 35982159). ClinVar contains an entry for this variant (Variation ID: 451561). An algorithm developed to predict the effect of missense changes on protein structure and function (PolyPhen-2) suggests that this variant is likely to be tolerated. In summary, the available evidence is currently insufficient to determine the role of this variant in disease. Therefore, it has been classified as a Variant of Uncertain Significance.

GeneDx
Classification: Uncertain significance. Last evaluated: 2017-09-07. Review status: criteria provided, single submitter. Criteria: GeneDx Variant Classification (06012015). Collection method: clinical testing. Allele origin: germline. Affected: yes.
Comment: The P386S variant in the TBX1 gene has not been reported previously as a pathogenic variant, nor as a benign variant, to our knowledge. Adequate data is not available in large population cohorts to assess the frequency of this variant in publicly available databases; however, this variant has not been detected in presumably healthy individuals tested at GeneDx. The P386S variant is a non-conservative amino acid substitution, which is likely to impact secondary protein structure as these residues differ in polarity, charge, size and/or other properties. This substitution occurs at a position that is conserved in mammals. In silico analysis is inconsistent in its predictions as to whether or not the variant is damaging to the protein structure/function. We interpret P386S as a variant of uncertain significance.

Literature cited by the submitters: PubMed 33057194 (cited by Labcorp Genetics (formerly Invitae), Labcorp); PubMed 35982159 (cited by Labcorp Genetics (formerly Invitae), Labcorp).